The following is an entry in ClinVar:

NM_080424.4(SP110):c.2127C>G (p.Phe709Leu)

Gene: SP110 (SP110 nuclear body protein; minus strand). Cytogenetic location: 2q37.1.
Variant type: single nucleotide variant.
Coding change: c.2127C>G on transcript NM_080424.4 (MANE Select); coding-DNA position 2127, C replaced by G.
Protein change: p.Phe709Leu; replaces phenylalanine 709 with leucine.
Molecular consequence: missense variant.
Genome position (GRCh38, 1-based): chr2:230,169,139, G>C on the plus strand (C>G on the coding strand, the complement: SP110 is on the minus strand). VCF-style: chr2-230169139-G-C. GRCh37 (hg19) VCF-style: chr2-231033855-G-C.
Other names: c.2223C>G, p.Phe741Leu (NM_001378442.1); c.2205C>G, p.Phe735Leu (NM_001378443.1); c.2145C>G, p.Phe715Leu (NM_001378444.1); c.2073C>G, p.Phe691Leu (NM_001378445.1); c.1932C>G, p.Phe644Leu (NM_001378446.1); c.2055C>G, p.Phe685Leu (NM_004509.5); short protein forms F715L, F741L, F644L, F685L, F691L, F709L, F735L.
Identifiers: ClinVar variation 2957743 (VCV002957743.7), dbSNP rs200020664, ClinGen allele CA2154228.

ClinVar aggregate classification (germline): Uncertain significance. Review status: criteria provided, multiple submitters, no conflicts (2 of 4 stars). 2 submissions from 2 submitters: Uncertain significance (2). Last evaluated 2025-10-01.

Conditions:
Hepatic veno-occlusive disease-immunodeficiency syndrome. Also called: Hepatic Veno-Occlusive Disease with Immunodeficiency. Identifiers: Orphanet 79124, MedGen C1856128, MONDO:0009338, OMIM 235550. Disease mechanism: loss of function.

Allele frequency attached by ClinVar (database versions not stated): gnomAD exomes 0.00001; ExAC 0.00002.
gnomAD v4.1: 6 of 1,612,090 alleles (0.00037%); highest among the groups gnomAD compares: Non-Finnish European, 0.00051%; no homozygotes.

Submissions (2):

CeGaT Center for Human Genetics Tuebingen
Classification: Uncertain significance. Last evaluated: 2025-10-01. Review status: criteria provided, single submitter. Criteria: CeGaT Center For Human Genetics Tuebingen Variant Classification Criteria Version 2. Collection method: clinical testing. Allele origin: germline. Affected: yes. Observed: 1 variant allele.
Comment: SP110: PM2, BP4

Labcorp Genetics (formerly Invitae), Labcorp
Classification: Uncertain significance for Hepatic veno-occlusive disease-immunodeficiency syndrome. Last evaluated: 2023-01-12. Review status: criteria provided, single submitter. Criteria: Invitae Variant Classification Sherloc (09022015). Collection method: clinical testing. Allele origin: germline.
Comment: In summary, the available evidence is currently insufficient to determine the role of this variant in disease. Therefore, it has been classified as a Variant of Uncertain Significance. Algorithms developed to predict the effect of missense changes on protein structure and function output the following: SIFT: "Deleterious"; PolyPhen-2: "Possibly Damaging"; Align-GVGD: "Class C0". The leucine amino acid residue is found in multiple mammalian species, which suggests that this missense change does not adversely affect protein function. This variant has not been reported in the literature in individuals affected with SP110-related conditions. This variant is present in population databases (rs200020664, gnomAD 0.002%). This sequence change replaces phenylalanine, which is neutral and non-polar, with leucine, which is neutral and non-polar, at codon 685 of the SP110 protein (p.Phe685Leu).